The following is an entry in ClinVar:

ClinVar aggregate classification (germline): Uncertain significance (1 of 4 stars; one submission).

Conditions:
Inborn genetic diseases. Identifiers: MedGen C0950123, MeSH D030342.

Submission:

Ambry Genetics
Classification: Uncertain significance for Inborn genetic diseases. Last evaluated: 2025-01-10. Review status: criteria provided, single submitter. Criteria: Ambry Variant Classification Scheme 2023. Collection method: clinical testing. Allele origin: germline.
Comment: The p.D77H variant (also known as c.229G>C), located in coding exon 1 of the ANKRD26 gene, results from a G to C substitution at nucleotide position 229. The aspartic acid at codon 77 is replaced by histidine, an amino acid with similar properties. This amino acid position is conserved. In addition, the in silico prediction for this alteration is inconclusive. Based on the available evidence, the clinical significance of this variant remains unclear.

NM_014915.3(ANKRD26):c.229G>C (p.Asp77His)

Gene: ANKRD26 (ankyrin repeat domain containing 26; minus strand). Cytogenetic location: 10p12.1.
Variant type: single nucleotide variant.
Coding change: c.229G>C on transcript NM_014915.3 (MANE Select); coding-DNA position 229, G replaced by C.
Protein change: p.Asp77His; replaces aspartic acid 77 with histidine.
Molecular consequence: missense variant.
Genome position (GRCh38, 1-based): chr10:27,100,098, C>G on the plus strand (G>C on the coding strand, the complement: ANKRD26 is on the minus strand). VCF-style: chr10-27100098-C-G. GRCh37 (hg19) VCF-style: chr10-27389027-C-G.
Other names: c.229G>C, p.Asp77His (NM_001256053.2); short protein forms D77H.
Identifiers: ClinVar variation 3870269 (VCV003870269.1).